The following is an entry in ClinVar:

ClinVar aggregate classification (germline): Uncertain significance (1 of 4 stars; one submission).

Allele frequency attached by ClinVar (database versions not stated): gnomAD exomes below 0.00001.
gnomAD v4.1: 1 of 1,613,406 alleles (0.000062%); highest among the groups gnomAD compares: Non-Finnish European, 0.000085%; no homozygotes.

Submission:

CeGaT Center for Human Genetics Tuebingen
Classification: Uncertain significance. Last evaluated: 2022-08-01. Review status: criteria provided, single submitter. Criteria: CeGaT Center For Human Genetics Tuebingen Variant Classification Criteria Version 2. Collection method: clinical testing. Allele origin: germline. Affected: yes. Observed: 1 variant allele.
Comment: PNPT1: PM2

NM_033109.5(PNPT1):c.5C>T (p.Ala2Val)

Genes: PNPT1 (polyribonucleotide nucleotidyltransferase 1; minus strand), LOC129933771 (ATAC-STARR-seq lymphoblastoid active region 15786; plus strand). Cytogenetic location: 2p16.1.
Variant type: single nucleotide variant.
Coding change: c.5C>T on transcript NM_033109.5 (MANE Select); coding-DNA position 5, C replaced by T.
Protein change: p.Ala2Val; replaces alanine 2 with valine.
Molecular consequence: missense variant.
Genome position (GRCh38, 1-based): chr2:55,693,819, G>A on the plus strand (C>T on the coding strand, the complement: PNPT1 is on the minus strand). VCF-style: chr2-55693819-G-A. GRCh37 (hg19) VCF-style: chr2-55920954-G-A.
Other names: short protein forms A2V.
Identifiers: ClinVar variation 2650953 (VCV002650953.24), dbSNP rs1221982455, ClinGen allele CA346946921.